The following is an entry in ClinVar:

ClinVar aggregate classification (germline): Likely pathogenic (0 of 4 stars; one submission).

Conditions:
KDM6A-related disorder. Also called: KDM6A-related condition.

Submission:

PreventionGenetics, part of Exact Sciences
Classification: Likely pathogenic for KDM6A-related condition. Last evaluated: 2024-06-19. Review status: no assertion criteria provided. Collection method: clinical testing. Allele origin: germline.
Comment: The KDM6A c.3644G>A variant is predicted to result in the amino acid substitution p.Gly1215Glu. To our knowledge, this variant has not been reported in the literature or in a large population database, indicating this variant is rare. This variant is interpreted as likely pathogenic.

NM_001291415.2(KDM6A):c.3800G>A (p.Gly1267Glu)

Gene: KDM6A (lysine demethylase 6A; plus strand). Cytogenetic location: Xp11.3.
Variant type: single nucleotide variant.
Coding change: c.3800G>A on transcript NM_001291415.2 (MANE Select); coding-DNA position 3800, G replaced by A.
Protein change: p.Gly1267Glu; replaces glycine 1267 with glutamic acid.
Molecular consequence: missense variant. On other transcripts: non-coding transcript variant (1).
Genome position (GRCh38, 1-based): chrX:45,089,838, G>A. VCF-style: chrX-45089838-G-A. GRCh37 (hg19) VCF-style: chrX-44949083-G-A.
Other names: c.3665G>A, p.Gly1222Glu (NM_001291416.2, NM_001419811.1); c.3509G>A, p.Gly1170Glu (NM_001291417.2); c.3407G>A, p.Gly1136Glu (NM_001291418.2, NM_001419815.1); c.2756G>A, p.Gly919Glu (NM_001291421.2); c.3542G>A, p.Gly1181Glu (NM_001410742.1, NM_001419814.1); c.3800G>A, p.Gly1267Glu (NM_001419809.1); c.3698G>A, p.Gly1233Glu (NM_001419810.1, NM_001419813.1); c.3644G>A, p.Gly1215Glu (NM_001419812.1, NM_021140.4); short protein forms G1136E, G1170E, G1181E, G1215E, G1222E, G1233E, G1267E, G919E.
Identifiers: ClinVar variation 3347464 (VCV003347464.1).